The following is an entry in ClinVar:

ClinVar aggregate classification (germline): Likely benign (0 of 4 stars; one submission).

Conditions:
PLEC-related disorder. Also called: PLEC-related disorders; PLEC-related condition.

Submission:

PreventionGenetics, part of Exact Sciences
Classification: Likely benign for PLEC-related condition. Last evaluated: 2022-12-22. Review status: no assertion criteria provided. Collection method: clinical testing. Allele origin: germline.
Comment: This variant is classified as likely benign based on ACMG/AMP sequence variant interpretation guidelines (Richards et al. 2015 PMID: 25741868, with internal and published modifications).

NM_201378.4(PLEC):c.71-3729G>C

Genes: PLEC (plectin; minus strand), LOC130001342 (ATAC-STARR-seq lymphoblastoid silent region 19633; plus strand). Cytogenetic location: 8q24.3.
Variant type: single nucleotide variant.
Coding change: c.71-3729G>C on transcript NM_201378.4 (MANE Plus Clinical); 3729 bases into the intron before coding-DNA position 71, G replaced by C.
Molecular consequence: intron variant. On other transcripts: missense variant (1).
Genome position (GRCh38, 1-based): chr8:143,942,421, C>G on the plus strand (G>C on the coding strand, the complement: PLEC is on the minus strand). VCF-style: chr8-143942421-C-G. GRCh37 (hg19) VCF-style: chr8-145016589-C-G.
Other names: c.95G>C, p.Gly32Ala (NM_201383.3); c.194-3729G>C (NM_001410941.1, NM_000445.5); c.47-3729G>C (NM_201379.3); c.524-3729G>C (NM_201380.4); c.16+2227G>C (NM_201381.3); c.112+1358G>C (NM_201382.4); short protein forms G32A.
Identifiers: ClinVar variation 3048033 (VCV003048033.2), dbSNP rs2539582241, ClinGen allele CA372595297.